The following is an entry in ClinVar:

ClinVar aggregate classification (germline): Uncertain significance. Review status: criteria provided, multiple submitters, no conflicts (2 of 4 stars). 2 submissions from 2 submitters: Uncertain significance (2). Last evaluated 2025-10-25.

Conditions:
Inborn genetic diseases. Identifiers: MedGen C0950123, MeSH D030342.

gnomAD v4.1: 4 of 1,613,442 alleles (0.00025%); highest among the groups gnomAD compares: African/African-American, 0.0013%; no homozygotes.

Submissions (2):

Ambry Genetics
Classification: Uncertain significance for Inborn genetic diseases. Last evaluated: 2025-10-25. Review status: criteria provided, single submitter. Criteria: Ambry Variant Classification Scheme 2023. Collection method: clinical testing. Allele origin: germline.
Comment: The p.T128A variant (also known as c.382A>G), located in coding exon 3 of the CDH2 gene, results from an A to G substitution at nucleotide position 382. The threonine at codon 128 is replaced by alanine, an amino acid with similar properties. This amino acid position is conserved. In addition, this alteration is predicted to be tolerated by in silico analysis. Based on the available evidence, the clinical significance of this variant remains unclear.

Labcorp Genetics (formerly Invitae), Labcorp
Classification: Uncertain significance. Last evaluated: 2025-01-22. Review status: criteria provided, single submitter. Criteria: Invitae Variant Classification Sherloc (09022015). Collection method: clinical testing. Allele origin: germline.
Comment: This sequence change replaces threonine, which is neutral and polar, with alanine, which is neutral and non-polar, at codon 128 of the CDH2 protein (p.Thr128Ala). This variant is present in population databases (no rsID available, gnomAD 0.0009%). This variant has not been reported in the literature in individuals affected with CDH2-related conditions. An algorithm developed to predict the effect of missense changes on protein structure and function (PolyPhen-2) suggests that this variant is likely to be tolerated. In summary, the available evidence is currently insufficient to determine the role of this variant in disease. Therefore, it has been classified as a Variant of Uncertain Significance.

NM_001792.5(CDH2):c.382A>G (p.Thr128Ala)

Gene: CDH2 (cadherin 2; minus strand). Cytogenetic location: 18q12.1.
Variant type: single nucleotide variant.
Coding change: c.382A>G on transcript NM_001792.5 (MANE Select); coding-DNA position 382, A replaced by G.
Protein change: p.Thr128Ala; replaces threonine 128 with alanine.
Molecular consequence: missense variant.
Genome position (GRCh38, 1-based): chr18:28,013,700, T>C on the plus strand (A>G on the coding strand, the complement: CDH2 is on the minus strand). VCF-style: chr18-28013700-T-C. GRCh37 (hg19) VCF-style: chr18-25593664-T-C.
Other names: c.289A>G, p.Thr97Ala (NM_001308176.2); c.382A>G (NM_001792.3); short protein forms T128A, T97A.
Identifiers: ClinVar variation 3622659 (VCV003622659.3).